The following is an entry in ClinVar:

NM_003221.4(TFAP2B):c.541-3_541-2del

Gene: TFAP2B (transcription factor AP-2 beta; plus strand). Cytogenetic location: 6p12.3.
Variant type: Microsatellite.
Coding change: c.541-3_541-2del on transcript NM_003221.4 (MANE Select); 3 bases into the intron before coding-DNA position 541 through the canonical splice acceptor site of the intron before coding-DNA position 541, 2 bases deleted (CA; older notation c.541-3_541-2delCA).
Molecular consequence: splice acceptor variant.
Genome position (GRCh38, 1-based): chr6:50,828,616-50,828,617, CA deleted; deleting any 2 consecutive bases within chr6:50,828,614-50,828,617 gives the same sequence; the c. name uses the placement nearest the transcript's 3' end. VCF-style (leftmost placement, unchanged base first): chr6-50828613-TCA-T. GRCh37 (hg19) VCF-style: chr6-50796326-TCA-T.
Identifiers: ClinVar variation 2580212 (VCV002580212.2), dbSNP rs2533123502, ClinGen allele CA2580618001.
Genomic context (GRCh38, chr6:50,828,613, plus strand): 5'-CATGATTTATGTGTGCAATTCTTTAATATCCTGTCAATTTGAATAGTGATGTTTTTATAT[TCA>T]CAGTCAGTTGAAGATGCCAATAACAGCGGCATGAATCTATTGGACCAGTCTGTCATTAAA-3'

ClinVar aggregate classification (germline): Uncertain significance. Review status: criteria provided, multiple submitters, no conflicts (2 of 4 stars). 2 submissions from 2 submitters: Uncertain significance (2). Last evaluated 2024-05-22.

Conditions:
Char syndrome (CHAR). Also called: PATENT DUCTUS ARTERIOSUS WITH FACIAL DYSMORPHISM AND ABNORMAL FIFTH DIGITS. Identifiers: Orphanet 46627, MedGen C1868570, MONDO:0008209, OMIM 169100.

Submissions (2):

GeneDx
Classification: Uncertain significance. Last evaluated: 2024-05-22. Review status: criteria provided, single submitter. Criteria: GeneDx Variant Classification Process June 2021. Collection method: clinical testing. Allele origin: germline. Affected: yes.
Comment: Not observed at significant frequency in large population cohorts (gnomAD); In silico analysis supports a deleterious effect on splicing; Has not been previously published as pathogenic or benign to our knowledge

Illumina Laboratory Services, Illumina
Classification: Uncertain significance for Char syndrome. Last evaluated: 2023-04-04. Review status: criteria provided, single submitter. Criteria: ICSLVariantClassificationCriteria RUGD 01 April 2020. Collection method: clinical testing. Allele origin: unknown.
Comment: The TFAP2B c.541-3_541-2del variant occurs in a splice region and consists of the deletion of an adenine and a cytosine. To our knowledge, this variant has not been reported in the peer-reviewed literature. The c.541-3_541-2del variant is not found in version 2.1.1 or version 3.1.2 of the Genome Aggregation Database. Computational tools predict that this variant may impact splicing. Based on the available evidence, the c.541-3_541-2del variant is classified as a variant of uncertain significance for Char syndrome.